The following is an entry in ClinVar:

NM_032444.4(SLX4):c.2480A>G (p.Glu827Gly)

Gene: SLX4 (SLX4 structure-specific endonuclease subunit; minus strand). Cytogenetic location: 16p13.3.
Variant type: single nucleotide variant.
Coding change: c.2480A>G on transcript NM_032444.4 (MANE Select); coding-DNA position 2480, A replaced by G.
Protein change: p.Glu827Gly; replaces glutamic acid 827 with glycine.
Molecular consequence: missense variant.
Genome position (GRCh38, 1-based): chr16:3,591,158, T>C on the plus strand (A>G on the coding strand, the complement: SLX4 is on the minus strand). VCF-style: chr16-3591158-T-C. GRCh37 (hg19) VCF-style: chr16-3641159-T-C.
Other names: short protein forms E827G.
Identifiers: ClinVar variation 1443139 (VCV001443139.9), dbSNP rs1488400493, ClinGen allele CA394523812.

ClinVar aggregate classification (germline): Uncertain significance. Review status: criteria provided, multiple submitters, no conflicts (2 of 4 stars). 2 submissions from 2 submitters: Uncertain significance (2). Last evaluated 2021-08-09.

Conditions:
Fanconi anemia (FA). Also called: Fanconi's anemia. Identifiers: Orphanet 84, MedGen C0015625, MeSH D005199, MONDO:0019391.
Fanconi anemia complementation group P. Also called: SLX4-Related Fanconi Anemia. Identifiers: Orphanet 84, MedGen C3469542, MONDO:0013499, OMIM 613951.

Allele frequency attached by ClinVar (database versions not stated): gnomAD exomes below 0.00001.
gnomAD v4.1: 1 of 1,614,222 alleles (0.000062%); highest among the groups gnomAD compares: Admixed American, 0.0017%; no homozygotes.

Submissions (2):

Fulgent Genetics
Classification: Uncertain significance for Fanconi anemia complementation group P. Last evaluated: 2021-08-09. Review status: criteria provided, single submitter. Criteria: ACMG Guidelines, 2015. Collection method: clinical testing. Allele origin: unknown.

Labcorp Genetics (formerly Invitae), Labcorp
Classification: Uncertain significance for Fanconi anemia. Last evaluated: 2021-07-06. Review status: criteria provided, single submitter. Criteria: Invitae Variant Classification Sherloc (09022015). Collection method: clinical testing. Allele origin: germline.
Comment: This sequence change replaces glutamic acid with glycine at codon 827 of the SLX4 protein (p.Glu827Gly). The glutamic acid residue is moderately conserved and there is a moderate physicochemical difference between glutamic acid and glycine. This variant is not present in population databases (ExAC no frequency). This variant has not been reported in the literature in individuals affected with SLX4-related conditions. Algorithms developed to predict the effect of missense changes on protein structure and function output the following: SIFT: "Tolerated"; PolyPhen-2: "Benign"; Align-GVGD: "Class C0". The glycine amino acid residue is found in multiple mammalian species, which suggests that this missense change does not adversely affect protein function. In summary, the available evidence is currently insufficient to determine the role of this variant in disease. Therefore, it has been classified as a Variant of Uncertain Significance.